The following is an entry in ClinVar:

NM_198253.3(TERT):c.1046C>T (p.Ser349Phe)

Gene: TERT (telomerase reverse transcriptase; minus strand). Cytogenetic location: 5p15.33.
Variant type: single nucleotide variant.
Coding change: c.1046C>T on transcript NM_198253.3 (MANE Select); coding-DNA position 1046, C replaced by T.
Protein change: p.Ser349Phe; replaces serine 349 with phenylalanine.
Molecular consequence: missense variant. On other transcripts: non-coding transcript variant (2).
Genome position (GRCh38, 1-based): chr5:1,293,840, G>A on the plus strand (C>T on the coding strand, the complement: TERT is on the minus strand). VCF-style: chr5-1293840-G-A. GRCh37 (hg19) VCF-style: chr5-1293955-G-A.
Other names: c.1046C>T, p.Ser349Phe (NM_001193376.3); short protein forms S349F.
Identifiers: ClinVar variation 840092 (VCV000840092.13), dbSNP rs904848231, ClinGen allele CA112914751.

ClinVar aggregate classification (germline): Uncertain significance. Review status: criteria provided, multiple submitters, no conflicts (2 of 4 stars). 4 submissions from 4 submitters: Uncertain significance (3). 1 of the submissions does not count toward it. Last evaluated 2025-12-17.

Conditions:
Idiopathic Pulmonary Fibrosis. Also called: Idiopathic fibrosing alveolitis, chronic form; idiopathic fibrosing alveolitis. Identifiers: Orphanet 2032, MedGen C1800706, MeSH D054990, MONDO:0800504.
Dyskeratosis congenita, autosomal dominant 2. Identifiers: MedGen C3151443, MONDO:0013521, OMIM 613989.
Dyskeratosis congenita. Identifiers: Orphanet 1775, MedGen C0265965, MONDO:0015780.
TERT-related disorder. Also called: TERT-related disorders; TERT-related condition.

Allele frequency attached by ClinVar (database versions not stated): TOPMed 0.00002.
gnomAD v4.1: 2 of 1,548,606 alleles (0.00013%); highest among the groups gnomAD compares: Admixed American, 0.002%; no homozygotes.

Submissions (4):

Ambry Genetics
Classification: Uncertain significance for Dyskeratosis congenita. Last evaluated: 2025-12-17. Review status: criteria provided, single submitter. Criteria: Ambry Variant Classification Scheme 2023. Collection method: clinical testing. Allele origin: germline.
Comment: The p.S349F variant (also known as c.1046C>T), located in coding exon 2 of the TERT gene, results from a C to T substitution at nucleotide position 1046. The serine at codon 349 is replaced by phenylalanine, an amino acid with highly dissimilar properties. This amino acid position is conserved. In addition, the in silico prediction for this alteration is inconclusive. Based on the available evidence, the clinical significance of this variant remains unclear.

Labcorp Genetics (formerly Invitae), Labcorp
Classification: Uncertain significance for Dyskeratosis congenita, autosomal dominant 2; Idiopathic Pulmonary Fibrosis. Last evaluated: 2025-08-11. Review status: criteria provided, single submitter. Criteria: Invitae Variant Classification Sherloc (09022015). Collection method: clinical testing. Allele origin: germline.
Comment: This sequence change replaces serine, which is neutral and polar, with phenylalanine, which is neutral and non-polar, at codon 349 of the TERT protein (p.Ser349Phe). This variant is not present in population databases (gnomAD no frequency). This variant has not been reported in the literature in individuals affected with TERT-related conditions. ClinVar contains an entry for this variant (Variation ID: 840092). Invitae Evidence Modeling of protein sequence and biophysical properties (such as structural, functional, and spatial information, amino acid conservation, physicochemical variation, residue mobility, and thermodynamic stability) indicates that this missense variant is expected to disrupt TERT protein function with a positive predictive value of 95%. In summary, the available evidence is currently insufficient to determine the role of this variant in disease. Therefore, it has been classified as a Variant of Uncertain Significance.

Baylor Genetics
Classification: Uncertain significance for Dyskeratosis congenita, autosomal dominant 2. Last evaluated: 2023-09-23. Review status: criteria provided, single submitter. Criteria: ACMG Guidelines, 2015. Collection method: clinical testing. Allele origin: unknown.

PreventionGenetics, part of Exact Sciences
Classification: Uncertain significance for TERT-related condition. Last evaluated: 2024-05-28. Review status: no assertion criteria provided. Collection method: clinical testing. Allele origin: germline. Not counted in ClinVar's aggregate classification.
Comment: The TERT c.1046C>T variant is predicted to result in the amino acid substitution p.Ser349Phe. To our knowledge, this variant has not been reported in the literature or in a large population database, indicating this variant is rare. This variant is classified as a variant of uncertain significance by multiple submitters in Clinvar. At this time, the clinical significance of this variant is uncertain due to the absence of conclusive functional and genetic evidence.